The following is an entry in ClinVar:

NM_001267550.2(TTN):c.107318C>A (p.Thr35773Lys)

Genes: TTN-AS1 (TTN antisense RNA 1; plus strand), TTN (titin; minus strand). Cytogenetic location: 2q31.2.
Variant type: single nucleotide variant.
Coding change: c.107318C>A on transcript NM_001267550.2 (MANE Select); coding-DNA position 107318, C replaced by A.
Protein change: p.Thr35773Lys; replaces threonine 35773 with lysine.
Molecular consequence: missense variant.
Genome position (GRCh38, 1-based): chr2:178,528,333, G>T on the plus strand (C>A on the coding strand, the complement: TTN is on the minus strand). VCF-style: chr2-178528333-G-T. GRCh37 (hg19) VCF-style: chr2-179393060-G-T.
Other names: c.102395C>A, p.Thr34132Lys (NM_001256850.1); c.80123C>A, p.Thr26708Lys (NM_003319.4); c.99614C>A, p.Thr33205Lys (NM_133378.4); c.80498C>A, p.Thr26833Lys (NM_133432.3); c.80699C>A, p.Thr26900Lys (NM_133437.4); short protein forms T26708K, T33205K, T26900K, T35773K, T26833K, T34132K.
Identifiers: ClinVar variation 2948586 (VCV002948586.3), dbSNP rs1687444693, ClinGen allele CA349401337.
Genomic context (GRCh38, chr2:178,528,333, plus strand): 5'-CGAAGGACCATTAAGGAAGCTGTAGCTGAACACTGGCCACGGAAATTTTTGGCCTTAATT[G>T]TGTACTTTCCACTGTCGCTGACTGATGCATTTCGGATTTCAAGGGAGTATACATTTCTGG-3'
Protein context (NP_001254479.2, residues 35763-35783): NASVSDSGKY[Thr35773Lys]IKAKNFRGQC

ClinVar aggregate classification (germline): Uncertain significance (1 of 4 stars; one submission).

Conditions:
Dilated cardiomyopathy 1G (CMD1G). Identifiers: Orphanet 154, MedGen C1858763, MONDO:0011400, OMIM 604145.
Autosomal recessive limb-girdle muscular dystrophy type 2J (LGMDR10). Also called: Limb-girdle muscular dystrophy, type 2J; MUSCULAR DYSTROPHY, LIMB-GIRDLE, AUTOSOMAL RECESSIVE 10. Identifiers: Orphanet 140922, MedGen C1837342, MONDO:0012127, OMIM 608807.

Allele frequency attached by ClinVar (database versions not stated): gnomAD exomes below 0.00001.
gnomAD v4.1: 2 of 1,613,956 alleles (0.00012%); highest among the groups gnomAD compares: Non-Finnish European, 0.00017%; no homozygotes.

Submission:

Labcorp Genetics (formerly Invitae), Labcorp
Classification: Uncertain significance for Dilated cardiomyopathy 1G; Autosomal recessive limb-girdle muscular dystrophy type 2J. Last evaluated: 2023-12-30. Review status: criteria provided, single submitter. Criteria: Invitae Variant Classification Sherloc (09022015). Collection method: clinical testing. Allele origin: germline.
Comment: This sequence change replaces threonine, which is neutral and polar, with lysine, which is basic and polar, at codon 35773 of the TTN protein (p.Thr35773Lys). This variant is not present in population databases (gnomAD no frequency). This variant has not been reported in the literature in individuals affected with TTN-related conditions. Experimental studies and prediction algorithms are not available or were not evaluated, and the functional significance of this variant is currently unknown. In summary, the available evidence is currently insufficient to determine the role of this variant in disease. Therefore, it has been classified as a Variant of Uncertain Significance.